The following is an entry in ClinVar:

ClinVar aggregate classification (germline): Conflicting classifications of pathogenicity. Review status: criteria provided, conflicting classifications (1 of 4 stars). 3 submissions from 3 submitters: Likely pathogenic (1); Uncertain significance (2). Last evaluated 2025-07-12.

Conditions:
Familial thoracic aortic aneurysm and aortic dissection (TAAD). Also called: Thoracic aortic aneurysms and dissections. Identifiers: Orphanet 91387, MedGen C4707243, MONDO:0019625.

Submissions (3):

Ambry Genetics
Classification: Likely pathogenic for Familial thoracic aortic aneurysm and aortic dissection. Last evaluated: 2025-07-12. Review status: criteria provided, single submitter. Criteria: Ambry Variant Classification Scheme 2023. Collection method: clinical testing. Allele origin: germline.
Comment: The p.G2595V variant (also known as c.7784G>T), located in coding exon 62 of the FBN1 gene, results from a G to T substitution at nucleotide position 7784. The glycine at codon 2595 is replaced by valine, an amino acid with dissimilar properties. This variant was reported in individual(s) with features consistent with Marfan syndrome (MFS) or thoracic aortic aneurysm/dissection (Lerner-Ellis JP et al. Mol Genet Metab, 2014 Jun;112:171-6; Ambry internal data). Other variant(s) at the same codon, p.G2595D (c.7784G>A), have been identified in individual(s) with features consistent with MFS (Tan L et al. Hum Mol Genet, 2017 12;26:4814-4822; Groth KA et al. Genet Med, 2017 07;19:772-777; external communication; Ambry internal data). This amino acid position is highly conserved in available vertebrate species. In addition, this alteration is predicted to be deleterious by in silico analysis. This variant is considered to be rare based on population cohorts in the Genome Aggregation Database (gnomAD). Based on the majority of available evidence to date, this variant is likely to be pathogenic.

GeneDx
Classification: Uncertain significance. Last evaluated: 2022-05-31. Review status: criteria provided, single submitter. Criteria: GeneDx Variant Classification Process June 2021. Collection method: clinical testing. Allele origin: germline. Affected: yes.
Comment: Not observed at significant frequency in large population cohorts (gnomAD); In silico analysis supports that this missense variant has a deleterious effect on protein structure/function; Although located in a calcium-binding EGF-like domain of the FBN1 gene, it does not affect a cysteine residue within this domain; cysteine substitutions in the calcium-binding EGF-like domains represent the majority of pathogenic missense changes associated with FBN1-related disorders (Collod-Beroud et al., 2003); This variant is associated with the following publications: (PMID: 12938084, 24793577)

Laboratory for Molecular Medicine, Mass General Brigham Personalized Medicine
Classification: Uncertain significance. Last evaluated: 2008-03-01. Review status: criteria provided, single submitter. Criteria: LMM Criteria. Collection method: clinical testing. Allele origin: germline. Observed: 1 variant allele.

Literature cited by the submitters: PubMed 24793577 (cited by Ambry Genetics).

NM_000138.5(FBN1):c.7784G>T (p.Gly2595Val)

Gene: FBN1 (fibrillin 1; minus strand). Cytogenetic location: 15q21.1.
Variant type: single nucleotide variant.
Coding change: c.7784G>T on transcript NM_000138.5 (MANE Select); coding-DNA position 7784, G replaced by T.
Protein change: p.Gly2595Val; replaces glycine 2595 with valine.
Molecular consequence: missense variant.
Genome position (GRCh38, 1-based): chr15:48,420,722, C>A on the plus strand (G>T on the coding strand, the complement: FBN1 is on the minus strand). VCF-style: chr15-48420722-C-A. GRCh37 (hg19) VCF-style: chr15-48712919-C-A.
Other names: short protein forms G2595V.
Identifiers: ClinVar variation 42432 (VCV000042432.8), dbSNP rs397515857, ClinGen allele CA017369.